The following is an entry in ClinVar:

NM_001330360.2(POLA1):c.479C>T (p.Ser160Phe)

Gene: POLA1 (DNA polymerase alpha 1, catalytic subunit; plus strand). Cytogenetic location: Xp22.11.
Variant type: single nucleotide variant.
Coding change: c.479C>T on transcript NM_001330360.2 (MANE Select); coding-DNA position 479, C replaced by T.
Protein change: p.Ser160Phe; replaces serine 160 with phenylalanine.
Molecular consequence: missense variant. On other transcripts: non-coding transcript variant (2).
Genome position (GRCh38, 1-based): chrX:24,715,157, C>T. VCF-style: chrX-24715157-C-T. GRCh37 (hg19) VCF-style: chrX-24733274-C-T.
Other names: c.479C>T, p.Ser160Phe (NM_001378303.1, NM_001440806.1); c.461C>T, p.Ser154Phe (NM_016937.4); short protein forms S154F, S160F.
Identifiers: ClinVar variation 4540152 (VCV004540152.1).

ClinVar aggregate classification (germline): Uncertain significance (1 of 4 stars; one submission).

Submission:

GeneDx
Classification: Uncertain significance. Last evaluated: 2025-06-24. Review status: criteria provided, single submitter. Criteria: GeneDx Variant Classification Process June 2021. Collection method: clinical testing. Allele origin: germline. Affected: yes.
Comment: Not observed at significant frequency in large population cohorts (gnomAD); In silico analysis supports that this missense variant has a deleterious effect on protein structure/function; Has not been previously published as pathogenic or benign to our knowledge